The following is an entry in ClinVar:

NM_033026.6(PCLO):c.5443C>G (p.Arg1815Gly)

Gene: PCLO (piccolo presynaptic cytomatrix protein; minus strand). Cytogenetic location: 7q21.11.
Variant type: single nucleotide variant.
Coding change: c.5443C>G on transcript NM_033026.6 (MANE Select); coding-DNA position 5443, C replaced by G.
Protein change: p.Arg1815Gly; replaces arginine 1815 with glycine.
Molecular consequence: missense variant.
Genome position (GRCh38, 1-based): chr7:82,955,510, G>C on the plus strand (C>G on the coding strand, the complement: PCLO is on the minus strand). VCF-style: chr7-82955510-G-C. GRCh37 (hg19) VCF-style: chr7-82584826-G-C.
Other names: c.5443C>G, p.Arg1815Gly (NM_014510.3); short protein forms R1815G.
Identifiers: ClinVar variation 3903251 (VCV003903251.1).

ClinVar aggregate classification (germline): Uncertain significance (1 of 4 stars; one submission).

gnomAD v4.1: 100 of 1,613,684 alleles (0.0062%); highest among the groups gnomAD compares: Non-Finnish European, 0.0081%; no homozygotes.

Submission:

GeneDx
Classification: Uncertain significance. Last evaluated: 2023-04-20. Review status: criteria provided, single submitter. Criteria: GeneDx Variant Classification Process June 2021. Collection method: clinical testing. Allele origin: germline. Affected: yes.
Comment: In silico analysis supports that this missense variant has a deleterious effect on protein structure/function; Has not been previously published as pathogenic or benign to our knowledge; Variants in candidate genes are classified as variants of uncertain significance in accordance with ACMG guidelines (Richards et al., 2015)